The following is an entry in ClinVar:

ClinVar aggregate classification (germline): Likely benign (1 of 4 stars; one submission).

gnomAD v4.1: 1 of 1,609,524 alleles (0.000062%); highest among the groups gnomAD compares: South Asian, 0.0011%; no homozygotes.

Submission:

GeneDx
Classification: Likely benign. Last evaluated: 2018-02-23. Review status: criteria provided, single submitter. Criteria: GeneDx Variant Classification (06012015). Collection method: clinical testing. Allele origin: germline. Affected: yes.
Comment: This variant is considered likely benign or benign based on one or more of the following criteria: it is a conservative change, it occurs at a poorly conserved position in the protein, it is predicted to be benign by multiple in silico algorithms, and/or has population frequency not consistent with disease.

NM_006796.3(AFG3L2):c.1980+9A>C

Gene: AFG3L2 (AFG3 like matrix AAA peptidase subunit 2; minus strand). Cytogenetic location: 18p11.21.
Variant type: single nucleotide variant.
Coding change: c.1980+9A>C on transcript NM_006796.3 (MANE Select); 9 bases into the intron after coding-DNA position 1980, A replaced by C.
Molecular consequence: intron variant.
Genome position (GRCh38, 1-based): chr18:12,340,192, T>G on the plus strand (A>C on the coding strand, the complement: AFG3L2 is on the minus strand). VCF-style: chr18-12340192-T-G. GRCh37 (hg19) VCF-style: chr18-12340191-T-G.
Identifiers: ClinVar variation 515347 (VCV000515347.1), dbSNP rs1555670847, ClinGen allele CA658799002.